The following is an entry in ClinVar:

NM_001430.5(EPAS1):c.845A>T (p.His282Leu)

Gene: EPAS1 (endothelial PAS domain protein 1; plus strand). Cytogenetic location: 2p21.
Variant type: single nucleotide variant.
Coding change: c.845A>T on transcript NM_001430.5 (MANE Select); coding-DNA position 845, A replaced by T.
Protein change: p.His282Leu; replaces histidine 282 with leucine.
Molecular consequence: missense variant.
Genome position (GRCh38, 1-based): chr2:46,369,892, A>T. VCF-style: chr2-46369892-A-T. GRCh37 (hg19) VCF-style: chr2-46597031-A-T.
Other names: short protein forms H282L.
Identifiers: ClinVar variation 3221677 (VCV003221677.1), dbSNP rs2546464280, ClinGen allele CA346701769.

ClinVar aggregate classification (germline): Uncertain significance (1 of 4 stars; one submission).

Conditions:
Inborn genetic diseases. Identifiers: MedGen C0950123, MeSH D030342.

Submission:

Ambry Genetics
Classification: Uncertain significance for Inborn genetic diseases. Last evaluated: 2024-01-20. Review status: criteria provided, single submitter. Criteria: Ambry Variant Classification Scheme 2023. Collection method: clinical testing. Allele origin: germline.
Comment: The p.H282L variant (also known as c.845A>T), located in coding exon 7 of the EPAS1 gene, results from an A to T substitution at nucleotide position 845. The histidine at codon 282 is replaced by leucine, an amino acid with similar properties. This amino acid position is conserved. In addition, this alteration is predicted to be deleterious by in silico analysis. Based on the available evidence, the clinical significance of this alteration remains unclear.